The following is an entry in ClinVar:

ClinVar aggregate classification (germline): Uncertain significance (1 of 4 stars; one submission).

Allele frequency attached by ClinVar (database versions not stated): gnomAD exomes below 0.00001.
gnomAD v4.1: 1 of 1,600,598 alleles (0.000062%); highest among the groups gnomAD compares: East Asian, 0.0022%; no homozygotes.

Submission:

Ambry Genetics
Classification: Uncertain significance. Last evaluated: 2023-04-25. Review status: criteria provided, single submitter. Criteria: Ambry Variant Classification Scheme 2023. Collection method: clinical testing. Allele origin: germline.
Comment: The p.G858S variant (also known as c.2572G>A) is located in coding exon 14 of the PALLD gene. The glycine at codon 858 is replaced by serine, an amino acid with similar properties. This change occurs in the first base pair of coding exon 14. This amino acid position is conserved. In addition, this alteration is predicted to be deleterious by in silico analysis. Since supporting evidence is limited at this time, the clinical significance of this alteration remains unclear.

NM_001166108.2(PALLD):c.2623G>A (p.Gly875Ser)

Genes: CBR4 (carbonyl reductase 4; minus strand), PALLD (palladin, cytoskeletal associated protein; plus strand). Cytogenetic location: 4q32.3.
Variant type: single nucleotide variant.
Coding change: c.2623G>A on transcript NM_001166108.2 (MANE Select); coding-DNA position 2623, G replaced by A.
Protein change: p.Gly875Ser; replaces glycine 875 with serine.
Molecular consequence: missense variant.
Genome position (GRCh38, 1-based): chr4:168,913,927, G>A. VCF-style: chr4-168913927-G-A. GRCh37 (hg19) VCF-style: chr4-169835078-G-A.
Other names: c.1426G>A, p.Gly476Ser (NM_001166109.2); c.1111G>A, p.Gly371Ser (NM_001166110.2); c.451G>A, p.Gly151Ser (NM_001367567.1, NM_001367569.1); c.502G>A, p.Gly168Ser (NM_001367568.1, NM_001367570.1); c.2572G>A, p.Gly858Ser (NM_016081.4); short protein forms G875S, G151S, G168S, G371S, G476S, G858S.
Identifiers: ClinVar variation 2561631 (VCV002561631.2), dbSNP rs2151407432, ClinGen allele CA358704756.